The following is an entry in ClinVar:

ClinVar aggregate classification (germline): Pathogenic (1 of 4 stars; one submission).

Submission:

Labcorp Genetics (formerly Invitae), Labcorp
Classification: Pathogenic. Last evaluated: 2024-12-31. Review status: criteria provided, single submitter. Criteria: Invitae Variant Classification Sherloc (09022015). Collection method: clinical testing. Allele origin: germline.
Comment: This sequence change creates a premature translational stop signal (p.Gly238Profs*39) in the LRRC56 gene. It is expected to result in an absent or disrupted protein product. Loss-of-function variants in LRRC56 are known to be pathogenic (PMID: 30388400). This variant is present in population databases (no rsID available, gnomAD 0.002%). This variant has not been reported in the literature in individuals affected with LRRC56-related conditions. For these reasons, this variant has been classified as Pathogenic.

Literature cited by the submitters: PubMed 30388400.

NM_198075.4(LRRC56):c.711_712del (p.Gly238fs)

Gene: LRRC56 (leucine rich repeat containing 56; plus strand). Cytogenetic location: 11p15.5.
Variant type: Deletion.
Coding change: c.711_712del on transcript NM_198075.4 (MANE Select); coding-DNA positions 711 to 712, 2 bases deleted (AG; older notation c.711_712delAG).
Protein change: p.Gly238fs; shifts the reading frame from glycine 238.
Molecular consequence: frameshift variant.
Genome position (GRCh38, 1-based): chr11:551,217-551,218, AG deleted. VCF-style (leftmost placement, unchanged base first): chr11-551216-CAG-C. GRCh37 (hg19) VCF-style: chr11-551216-CAG-C.
Other names: short protein forms G238fs.
Identifiers: ClinVar variation 3711539 (VCV003711539.2).